The following is an entry in ClinVar:

ClinVar aggregate classification (germline): Uncertain significance (1 of 4 stars; one submission).

Submission:

Labcorp Genetics (formerly Invitae), Labcorp
Classification: Uncertain significance. Last evaluated: 2022-08-19. Review status: criteria provided, single submitter. Criteria: Invitae Variant Classification Sherloc (09022015). Collection method: clinical testing. Allele origin: germline.
Comment: This sequence change falls in intron 18 of the PLEKHG2 gene. It does not directly change the encoded amino acid sequence of the PLEKHG2 protein. This variant is present in population databases (rs750275369, gnomAD 0.007%). This variant has not been reported in the literature in individuals affected with PLEKHG2-related conditions. Algorithms developed to predict the effect of sequence changes on RNA splicing suggest that this variant may disrupt the consensus splice site. In summary, the available evidence is currently insufficient to determine the role of this variant in disease. Therefore, it has been classified as a Variant of Uncertain Significance.

NM_022835.3(PLEKHG2):c.2600-11_2600-10del

Gene: PLEKHG2 (pleckstrin homology and RhoGEF domain containing G2; plus strand). Cytogenetic location: 19q13.2.
Variant type: Deletion.
Coding change: c.2600-11_2600-10del on transcript NM_022835.3 (MANE Select); 11 bases into the intron before coding-DNA position 2600 through 10 bases into the intron before coding-DNA position 2600, 2 bases deleted (TT; older notation c.2600-11_2600-10delTT).
Molecular consequence: intron variant.
Genome position (GRCh38, 1-based): chr19:39,423,722-39,423,723, TT deleted; deleting any 2 consecutive bases within chr19:39,423,720-39,423,723 gives the same sequence; the c. name uses the placement nearest the transcript's 3' end. VCF-style (leftmost placement, unchanged base first): chr19-39423719-CTT-C. GRCh37 (hg19) VCF-style: chr19-39914359-CTT-C.
Other names: c.2423-11_2423-10del (NM_001351693.2); c.1677+1434_1677+1435del (NM_001351694.2).
Identifiers: ClinVar variation 1902895 (VCV001902895.2), dbSNP rs750275369, ClinGen allele CA9429829.